The following is an entry in ClinVar:

ClinVar aggregate classification (germline): Uncertain significance. Review status: criteria provided, multiple submitters, no conflicts (2 of 4 stars). 2 submissions from 2 submitters: Uncertain significance (2). Last evaluated 2025-09-16.

Conditions:
Episodic ataxia type 2 (EA2). Also called: ATAXIA, EPISODIC, WITH NYSTAGMUS; ATAXIA, FAMILIAL PAROXYSMAL; CEREBELLAR ATAXIA, PAROXYSMAL, ACETAZOLAMIDE-RESPONSIVE; CEREBELLOPATHY, HEREDITARY PAROXYSMAL; EPISODIC ATAXIA, NYSTAGMUS-ASSOCIATED; ACETAZOLAMIDE-RESPONSIVE HEREDITARY PAROXYSMAL CEREBELLAR ATAXIA. Identifiers: Orphanet 97, MedGen C1720416, MONDO:0007163, OMIM 108500.
Developmental and epileptic encephalopathy, 42 (DEE42A). Also called: Epileptic encephalopathy, early infantile, 42; DEVELOPMENTAL AND EPILEPTIC ENCEPHALOPATHY 42A; EPILEPTIC ENCEPHALOPATHY, EARLY INFANTILE, 42A. Identifiers: MedGen C4310716, MONDO:0014917, OMIM 617106.

Submissions (2):

Labcorp Genetics (formerly Invitae), Labcorp
Classification: Uncertain significance for Developmental and epileptic encephalopathy, 42; Episodic ataxia type 2. Last evaluated: 2025-09-16. Review status: criteria provided, single submitter. Criteria: Invitae Variant Classification Sherloc (09022015). Collection method: clinical testing. Allele origin: germline.
Comment: This sequence change replaces histidine, which is basic and polar, with proline, which is neutral and non-polar, at codon 2220 of the CACNA1A protein (p.His2220Pro). The frequency data for this variant in the population databases is considered unreliable, as metrics indicate poor data quality at this position in the gnomAD database. This variant has not been reported in the literature in individuals affected with CACNA1A-related conditions. ClinVar contains an entry for this variant (Variation ID: 426403). An algorithm developed to predict the effect of missense changes on protein structure and function (PolyPhen-2) suggests that this variant is likely to be tolerated. In summary, the available evidence is currently insufficient to determine the role of this variant in disease. Therefore, it has been classified as a Variant of Uncertain Significance.

GeneDx
Classification: Uncertain significance. Last evaluated: 2022-09-13. Review status: criteria provided, single submitter. Criteria: GeneDx Variant Classification Process June 2021. Collection method: clinical testing. Allele origin: germline. Affected: yes.
Comment: In silico analysis supports that this variant does not alter protein structure/function; Has not been previously published as pathogenic or benign to our knowledge

NM_001127222.2(CACNA1A):c.6656_6657delinsCC (p.His2219Pro)

Gene: CACNA1A (calcium voltage-gated channel subunit alpha1 A; minus strand). Cytogenetic location: 19p13.13.
Variant type: Indel.
Coding change: c.6656_6657delinsCC on transcript NM_001127222.2 (MANE Select); coding-DNA positions 6656 to 6657, AT replaced by CC.
Protein change: p.His2219Pro; replaces histidine 2219 with proline.
Molecular consequence: missense variant.
Genome position (GRCh38, 1-based): chr19:13,208,879-13,208,880, AT replaced by GG on the plus strand (AT replaced by CC on the coding strand, the reverse complement: CACNA1A is on the minus strand). VCF-style: chr19-13208879-AT-GG. GRCh37 (hg19) VCF-style: chr19-13319693-AT-GG.
Other names: c.6659_6660delATinsCC (NM_001127221.1); c.6674_6675delinsCC, p.His2225Pro (NM_000068.4, NM_023035.3); c.6659_6660delinsCC, p.His2220Pro (NM_001127221.2); c.6665_6666delinsCC, p.His2222Pro (NM_001174080.2); short protein forms H2225P, H2219P, H2222P, H2220P.
Identifiers: ClinVar variation 426403 (VCV000426403.10), dbSNP rs1085307607, ClinGen allele CA645293915.